The following is an entry in ClinVar:

ClinVar aggregate classification (germline): Likely benign (1 of 4 stars; one submission).

Allele frequency attached by ClinVar (database versions not stated): TOPMed 0.00011; gnomAD 0.00013; 1000 Genomes Project 30x 0.00016; 1000 Genomes Project 0.00020; gnomAD exomes 0.00025.
gnomAD v4.1: 85 of 398,774 alleles (0.021%); highest among the groups gnomAD compares: Non-Finnish European, 0.029%; no homozygotes.

Submission:

CeGaT Center for Human Genetics Tuebingen
Classification: Likely benign. Last evaluated: 2023-05-01. Review status: criteria provided, single submitter. Criteria: CeGaT Center For Human Genetics Tuebingen Variant Classification Criteria Version 2. Collection method: clinical testing. Allele origin: germline. Affected: yes. Observed: 1 variant allele.
Comment: KCNQ1OT1: BS1

NM_000218.3(KCNQ1):c.1394-8581T>C

Genes: KCNQ1 (potassium voltage-gated channel subfamily Q member 1; plus strand), KCNQ1OT1 (KCNQ1 opposite strand/antisense transcript 1; minus strand). Cytogenetic location: 11p15.5.
Variant type: single nucleotide variant.
Coding change: c.1394-8581T>C on transcript NM_000218.3 (MANE Select); 8581 bases into the intron before coding-DNA position 1394, T replaced by C.
Molecular consequence: intron variant. On other transcripts: non-coding transcript variant (1).
Genome position (GRCh38, 1-based): chr11:2,653,380, T>C. VCF-style: chr11-2653380-T-C. GRCh37 (hg19) VCF-style: chr11-2674610-T-C.
Other names: c.1124-8581T>C (NM_001406837.1); c.1298-8581T>C (NM_001406836.1); c.854-8581T>C (NM_001406838.1); c.1013-8581T>C (NM_181798.2).
Identifiers: ClinVar variation 2641438 (VCV002641438.24), dbSNP rs539778382, ClinGen allele CA216164777.